The following is an entry in ClinVar:

NM_001277313.2(FMN1):c.2980G>C (p.Asp994His)

Gene: FMN1 (formin 1; minus strand). Cytogenetic location: 15q13.3.
Variant type: single nucleotide variant.
Coding change: c.2980G>C on transcript NM_001277313.2 (MANE Select); coding-DNA position 2980, G replaced by C.
Protein change: p.Asp994His; replaces aspartic acid 994 with histidine.
Molecular consequence: missense variant.
Genome position (GRCh38, 1-based): chr15:32,968,721, C>G on the plus strand (G>C on the coding strand, the complement: FMN1 is on the minus strand). VCF-style: chr15-32968721-C-G. GRCh37 (hg19) VCF-style: chr15-33260922-C-G.
Other names: c.2311G>C, p.Asp771His (NM_001103184.4); c.2311G>C (NM_001103184.2); short protein forms D994H, D771H.
Identifiers: ClinVar variation 1956187 (VCV001956187.6), dbSNP rs374834879, ClinGen allele CA391563249.

ClinVar aggregate classification (germline): Uncertain significance. Review status: criteria provided, multiple submitters, no conflicts (2 of 4 stars). 2 submissions from 2 submitters: Uncertain significance (2). Last evaluated 2024-08-27.

gnomAD v4.1: 2 of 1,613,380 alleles (0.00012%); highest among the groups gnomAD compares: Admixed American, 0.0033%; no homozygotes.

Submissions (2):

Ambry Genetics
Classification: Uncertain significance. Last evaluated: 2024-08-27. Review status: criteria provided, single submitter. Criteria: Ambry Variant Classification Scheme 2023. Collection method: clinical testing. Allele origin: germline.

Labcorp Genetics (formerly Invitae), Labcorp
Classification: Uncertain significance. Last evaluated: 2022-09-23. Review status: criteria provided, single submitter. Criteria: Invitae Variant Classification Sherloc (09022015). Collection method: clinical testing. Allele origin: germline.
Comment: This variant has not been reported in the literature in individuals affected with FMN1-related conditions. Algorithms developed to predict the effect of missense changes on protein structure and function are either unavailable or do not agree on the potential impact of this missense change (SIFT: "Tolerated"; PolyPhen-2: "Probably Damaging"; Align-GVGD: "Class C0"). In summary, the available evidence is currently insufficient to determine the role of this variant in disease. Therefore, it has been classified as a Variant of Uncertain Significance. This variant is not present in population databases (gnomAD no frequency). This sequence change replaces aspartic acid, which is acidic and polar, with histidine, which is basic and polar, at codon 771 of the FMN1 protein (p.Asp771His).